The following is an entry in ClinVar:

ClinVar aggregate classification (germline): Uncertain significance. Review status: criteria provided, single submitter (1 of 4 stars). 2 submissions from 2 submitters: Uncertain significance (1). 1 of the submissions does not count toward it. Last evaluated 2018-11-02.

Conditions:
Inborn genetic diseases. Identifiers: MedGen C0950123, MeSH D030342.
BRWD3-related disorder. Also called: BRWD3-related condition.

Allele frequency attached by ClinVar (database versions not stated): gnomAD 0.00002; gnomAD exomes 0.00013; ExAC 0.00014; 1000 Genomes Project 30x 0.00021.
gnomAD v4.1: 42 of 405,146 alleles (0.01%); highest among the groups gnomAD compares: East Asian, 0.39%; no homozygotes.

Submissions (2):

Ambry Genetics
Classification: Uncertain significance for Inborn genetic diseases. Last evaluated: 2018-11-02. Review status: criteria provided, single submitter. Criteria: Ambry Variant Classification Scheme 2023. Collection method: clinical testing. Allele origin: germline.
Comment: The c.814-4T>A intronic variant results from a T to A substitution 4 nucleotides upstream from coding exon 9 in the BRWD3 gene. This variant was not reported in population based cohorts in the following databases: Database of Single Nucleotide Polymorphisms (dbSNP), NHLBI Exome Sequencing Project (ESP), and 1000 Genomes Project. In the ESP, this variant was not observed in 6500 samples with coverage at this position. This nucleotide position is not well conserved in available vertebrate species. Using the BDGP and ESEfinder splice site prediction tools, this alteration is not predicted to have any significant effect on this splice acceptor site; however, direct evidence is unavailable. Since supporting evidence is limited at this time, the clinical significance of this variant remains unclear.

PreventionGenetics, part of Exact Sciences
Classification: Likely benign for BRWD3-related condition. Last evaluated: 2023-12-06. Review status: no assertion criteria provided. Collection method: clinical testing. Allele origin: germline. Not counted in ClinVar's aggregate classification.
Comment: This variant is classified as likely benign based on ACMG/AMP sequence variant interpretation guidelines (Richards et al. 2015 PMID: 25741868, with internal and published modifications).

NM_153252.5(BRWD3):c.814-4T>A

Gene: BRWD3 (bromodomain and WD repeat domain containing 3; minus strand). Cytogenetic location: Xq21.1.
Variant type: single nucleotide variant.
Coding change: c.814-4T>A on transcript NM_153252.5 (MANE Select); 4 bases into the intron before coding-DNA position 814, T replaced by A.
Molecular consequence: intron variant.
Genome position (GRCh38, 1-based): chrX:80,736,092, A>T on the plus strand (T>A on the coding strand, the complement: BRWD3 is on the minus strand). VCF-style: chrX-80736092-A-T. GRCh37 (hg19) VCF-style: chrX-79991591-A-T.
Identifiers: ClinVar variation 588353 (VCV000588353.7), dbSNP rs749366665, ClinGen allele CA10462299.